The following is an entry in ClinVar:

ClinVar aggregate classification (germline): Uncertain significance (1 of 4 stars; one submission).

Conditions:
Hereditary cancer-predisposing syndrome. Also called: Tumor predisposition; Hereditary Cancer Syndrome; Hereditary neoplastic syndrome; Neoplastic Syndromes, Hereditary. Identifiers: Orphanet 140162, MedGen C0027672, MeSH D009386, MONDO:0015356.

Submission:

Ambry Genetics
Classification: Uncertain significance for Hereditary cancer-predisposing syndrome. Last evaluated: 2024-05-08. Review status: criteria provided, single submitter. Criteria: Ambry Variant Classification Scheme 2023. Collection method: clinical testing. Allele origin: germline.
Comment: The p.P433T variant (also known as c.1297C>A), located in coding exon 10 of the NBN gene, results from a C to A substitution at nucleotide position 1297. The proline at codon 433 is replaced by threonine, an amino acid with highly similar properties. This amino acid position is conserved. In addition, this alteration is predicted to be tolerated by in silico analysis. Based on the available evidence, the clinical significance of this variant remains unclear.

NM_002485.5(NBN):c.1297C>A (p.Pro433Thr)

Gene: NBN (nibrin; minus strand). Cytogenetic location: 8q21.3.
Variant type: single nucleotide variant.
Coding change: c.1297C>A on transcript NM_002485.5 (MANE Select); coding-DNA position 1297, C replaced by A.
Protein change: p.Pro433Thr; replaces proline 433 with threonine.
Molecular consequence: missense variant.
Genome position (GRCh38, 1-based): chr8:89,955,383, G>T on the plus strand (C>A on the coding strand, the complement: NBN is on the minus strand). VCF-style: chr8-89955383-G-T. GRCh37 (hg19) VCF-style: chr8-90967611-G-T.
Other names: c.1051C>A, p.Pro351Thr (NM_001024688.3); short protein forms P433T, P351T.
Identifiers: ClinVar variation 3298633 (VCV003298633.1).